The following is an entry in ClinVar:

NM_014956.5(CEP164):c.3609+4C>T

Gene: CEP164 (centrosomal protein 164; plus strand). Cytogenetic location: 11q23.3.
Variant type: single nucleotide variant.
Coding change: c.3609+4C>T on transcript NM_014956.5 (MANE Select); 4 bases into the intron after coding-DNA position 3609, C replaced by T.
Molecular consequence: intron variant.
Genome position (GRCh38, 1-based): chr11:117,408,036, C>T. VCF-style: chr11-117408036-C-T. GRCh37 (hg19) VCF-style: chr11-117278752-C-T.
Other names: c.3618+4C>T (NM_001271933.2).
Identifiers: ClinVar variation 2164630 (VCV002164630.4), dbSNP rs753523517, ClinGen allele CA6295505.
Genomic context (GRCh38, chr11:117,408,036, plus strand): 5'-CTGCTGAAGAAGAAAGAGGAGAAGCTGAATCAGTTGGAGTCCTCTCTTTGGGAAGAGGTG[C>T]AGCCCCATGTCCACATAGTCCAGTGGGCCCTGGCCTTCCTCTTCTGTTCTTGGGATTGGG-3'

ClinVar aggregate classification (germline): Conflicting classifications of pathogenicity. Review status: criteria provided, conflicting classifications (1 of 4 stars). 2 submissions from 2 submitters: Uncertain significance (1); Likely benign (1). Last evaluated 2024-10-29.

Conditions:
Nephronophthisis 15 (NPHP15). Identifiers: Orphanet 3156, MedGen C3541853, MONDO:0013917, OMIM 614845.

Allele frequency attached by ClinVar (database versions not stated): gnomAD 0.00002; ExAC 0.00003; TOPMed 0.00003.

Submissions (2):

Labcorp Genetics (formerly Invitae), Labcorp
Classification: Uncertain significance for Nephronophthisis 15. Last evaluated: 2024-10-29. Review status: criteria provided, single submitter. Criteria: Invitae Variant Classification Sherloc (09022015). Collection method: clinical testing. Allele origin: germline.
Comment: This sequence change falls in intron 28 of the CEP164 gene. It does not directly change the encoded amino acid sequence of the CEP164 protein. It affects a nucleotide within the consensus splice site. The frequency data for this variant in the population databases is considered unreliable, as metrics indicate poor data quality at this position in the gnomAD database. This variant has not been reported in the literature in individuals affected with CEP164-related conditions. ClinVar contains an entry for this variant (Variation ID: 2164630). Variants that disrupt the consensus splice site are a relatively common cause of aberrant splicing (PMID: 17576681, 9536098). Algorithms developed to predict the effect of sequence changes on RNA splicing suggest that this variant may disrupt the consensus splice site. In summary, the available evidence is currently insufficient to determine the role of this variant in disease. Therefore, it has been classified as a Variant of Uncertain Significance.

Blueprint Genetics
Classification: Likely benign. Last evaluated: 2019-08-02. Review status: criteria provided, single submitter. Criteria: ACMG Guidelines, 2015. Collection method: clinical testing. Allele origin: germline.

Literature cited by the submitters: PubMed 17576681 (cited by Labcorp Genetics (formerly Invitae), Labcorp); PubMed 9536098 (cited by Labcorp Genetics (formerly Invitae), Labcorp).